The following is an entry in ClinVar:

NM_003737.4(DCHS1):c.2926C>G (p.Pro976Ala)

Gene: DCHS1 (dachsous cadherin-related 1; minus strand). Cytogenetic location: 11p15.4.
Variant type: single nucleotide variant.
Coding change: c.2926C>G on transcript NM_003737.4 (MANE Select); coding-DNA position 2926, C replaced by G.
Protein change: p.Pro976Ala; replaces proline 976 with alanine.
Molecular consequence: missense variant.
Genome position (GRCh38, 1-based): chr11:6,632,586, G>C on the plus strand (C>G on the coding strand, the complement: DCHS1 is on the minus strand). VCF-style: chr11-6632586-G-C. GRCh37 (hg19) VCF-style: chr11-6653817-G-C.
Other names: short protein forms P976A.
Identifiers: ClinVar variation 2523521 (VCV002523521.6), dbSNP rs200477004, ClinGen allele CA217299357.
Genomic context (GRCh38, chr11:6,632,586, plus strand): 5'-GCCCACGGGTTCCCACATCCTGTACCACCACCCGTAGTCGAAAGTGGCTGGTGCGTGGTG[G>C]GGAGCCCCCATCCCGGGCCTCCAGCTCCAGCTCATGGGCTGGCCCTCCTGAGGGCCCCAG-3'
Protein context (NP_003728.1, residues 966-986): LELEARDGGS[Pro976Ala]PRTSHFRLRV

ClinVar aggregate classification (germline): Uncertain significance. Review status: criteria provided, multiple submitters, no conflicts (2 of 4 stars). 2 submissions from 2 submitters: Uncertain significance (2). Last evaluated 2025-10-29.

Conditions:
Inborn genetic diseases. Identifiers: MedGen C0950123, MeSH D030342.

Allele frequency attached by ClinVar (database versions not stated): gnomAD exomes below 0.00001; 1000 Genomes Project 0.00020; 1000 Genomes Project 30x 0.00016; gnomAD 0.00004; TOPMed 0.00014.
gnomAD v4.1: 9 of 1,515,194 alleles (0.00059%); highest among the groups gnomAD compares: Admixed American, 0.013%; no homozygotes.

Submissions (2):

Labcorp Genetics (formerly Invitae), Labcorp
Classification: Uncertain significance. Last evaluated: 2025-10-29. Review status: criteria provided, single submitter. Criteria: Invitae Variant Classification Sherloc (09022015). Collection method: clinical testing. Allele origin: germline.
Comment: This sequence change replaces proline, which is neutral and non-polar, with alanine, which is neutral and non-polar, at codon 976 of the DCHS1 protein (p.Pro976Ala). This variant is present in population databases (rs200477004, gnomAD 0.01%). This variant has not been reported in the literature in individuals affected with DCHS1-related conditions. ClinVar contains an entry for this variant (Variation ID: 2523521). Invitae Evidence Modeling of protein sequence and biophysical properties (such as structural, functional, and spatial information, amino acid conservation, physicochemical variation, residue mobility, and thermodynamic stability) indicates that this missense variant is not expected to disrupt DCHS1 protein function with a negative predictive value of 80%. In summary, the available evidence is currently insufficient to determine the role of this variant in disease. Therefore, it has been classified as a Variant of Uncertain Significance.

Ambry Genetics
Classification: Uncertain significance for Inborn genetic diseases. Last evaluated: 2025-09-26. Review status: criteria provided, single submitter. Criteria: Ambry Variant Classification Scheme 2023. Collection method: clinical testing. Allele origin: germline.